The following is an entry in ClinVar:

ClinVar aggregate classification (germline): Uncertain significance (1 of 4 stars; one submission).

Conditions:
VPS13A-related neurodegenerative disease. Also called: LEVINE-CRITCHLEY SYNDROME; Choreoacanthocytosis; Chorea-acanthocytosis; ACANTHOCYTOSIS WITH NEUROLOGIC DISORDER; VPS13A Disease; Choreaacanthocytosis. Identifiers: Orphanet 2388, MedGen C0393576, MONDO:0008695, OMIM 200150.

Submission:

ARUP Laboratories, Molecular Genetics and Genomics, ARUP Laboratories
Classification: Uncertain significance for VPS13A-related neurodegenerative disease. Last evaluated: 2025-04-10. Review status: criteria provided, single submitter. Criteria: ARUP Molecular Germline Variant Investigation Process 2024. Collection method: clinical testing. Allele origin: germline.
Comment: The VPS13A c.824C>G; p.Pro275Arg variant, to our knowledge, is not reported in the medical literature or gene specific databases. This variant is also absent from the Genome Aggregation Database (v2.1.1), indicating it is not a common polymorphism. Computational analyses are uncertain whether this variant is neutral or deleterious (REVEL: 0.643). Due to limited information, the clinical significance of this variant is uncertain at this time.

NM_033305.3(VPS13A):c.824C>G (p.Pro275Arg)

Gene: VPS13A (vacuolar protein sorting 13 homolog A; plus strand). Cytogenetic location: 9q21.2.
Variant type: single nucleotide variant.
Coding change: c.824C>G on transcript NM_033305.3 (MANE Select); coding-DNA position 824, C replaced by G.
Protein change: p.Pro275Arg; replaces proline 275 with arginine.
Molecular consequence: missense variant.
Genome position (GRCh38, 1-based): chr9:77,220,023, C>G. VCF-style: chr9-77220023-C-G. GRCh37 (hg19) VCF-style: chr9-79834939-C-G.
Other names: c.824C>G, p.Pro275Arg (NM_001018037.2, NM_001018038.3, NM_015186.4); short protein forms P275R.
Identifiers: ClinVar variation 4685747 (VCV004685747.1).